The following is an entry in ClinVar:

ClinVar aggregate classification (germline): Uncertain significance (1 of 4 stars; one submission).

Conditions:
Polycystic kidney disease, adult type (PKD1). Also called: POLYCYSTIC KIDNEY DISEASE, ADULT, TYPE I; Polycystic Kidney Disease 1, Autosomal Dominant; Polycystic kidney disease 1; Polycystic kidney disease 1, severe; Polycystic Kidney, Autosomal Dominant; POLYCYSTIC KIDNEY DISEASE 1 WITH OR WITHOUT POLYCYSTIC LIVER DISEASE. Identifiers: MedGen C3149841, MONDO:0008263, OMIM 173900.

Submission:

Juno Genomics, Hangzhou Juno Genomics, Inc
Classification: Uncertain significance for Polycystic kidney disease, adult type. Review status: criteria provided, single submitter. Criteria: ACMG Guidelines, 2015. Collection method: clinical testing. Allele origin: germline. Affected: yes.
Comment: Absent from controls (or at extremely low frequency if recessive) in Genome Aggregation Database, Exome Sequencing Project, 1000 Genomes Project, or Exome Aggregation Consortium.;Null variant in a gene where loss of function (LOF) is a known mechanism of disease.;Patient's phenotype or family history is highly specific for a disease with a single genetic etiology.

NM_001009944.3(PKD1):c.2T>A (p.Met1Lys)

Gene: PKD1 (polycystin 1, transient receptor potential channel interacting; minus strand). Cytogenetic location: 16p13.3.
Variant type: single nucleotide variant.
Coding change: c.2T>A on transcript NM_001009944.3 (MANE Select); coding-DNA position 2, T replaced by A.
Protein change: p.Met1Lys; changes the start codon (methionine 1).
Molecular consequence: missense variant, initiator codon variant.
Genome position (GRCh38, 1-based): chr16:2,135,688, A>T on the plus strand (T>A on the coding strand, the complement: PKD1 is on the minus strand). VCF-style: chr16-2135688-A-T. GRCh37 (hg19) VCF-style: chr16-2185689-A-T.
Other names: c.2T>A, p.Met1Lys (NM_000296.4); short protein forms M1K.
Identifiers: ClinVar variation 3382262 (VCV003382262.2).
Genomic context (GRCh38, chr16:2,135,688, plus strand): 5'-GCCCCGAGCCACAGGCCCAGGCCCAGGGCCAGCGCCAGGCGGGCGGGCGCGGCGGGCGGC[A>T]TCGTTAGGGCAGCGCGCGCATGGCCCCGCCGTCCCCAGGCCCGCCCGCGCGCGGAGGCCG-3'
Protein context (NP_001009944.3, residues 1-11): [Met1Lys]PPAAPARLAL